The following is an entry in ClinVar:

NM_018063.5(HELLS):c.2249-3dup

Gene: HELLS (helicase, lymphoid specific; plus strand). Cytogenetic location: 10q23.33.
Variant type: Duplication.
Coding change: c.2249-3dup on transcript NM_018063.5 (MANE Select); 3 bases into the intron before coding-DNA position 2249, one base duplicated (T; older notation c.2249-3dupT).
Molecular consequence: intron variant.
Genome position (GRCh38, 1-based): chr10:94,596,857, T duplicated; the last of 8 consecutive T bases (chr10:94,596,850-94,596,857); duplicating any one gives the same sequence. VCF-style (leftmost placement, unchanged base first): chr10-94596849-A-AT. GRCh37 (hg19) VCF-style: chr10-96356606-A-AT.
Other names: c.1877-3dup (NM_001289071.2); c.2387-3dup (NM_001289067.2); c.1031-3dup (NM_001289075.2); c.1955-3dup (NM_001289070.2); c.1166-3dup (NM_001289074.2); c.2153-3dup (NM_001289069.2); c.1859-3dup (NM_001289072.2); c.1835-3dup (NM_001289073.2); and 2 more.
Identifiers: ClinVar variation 1592198 (VCV001592198.11), dbSNP rs763088239, ClinGen allele CA5615686.
Genomic context (GRCh38, chr10:94,596,849, plus strand): 5'-ATTGGTTTGTAATATGTTGTATTGTAGTTTTAAAAGGAATTTTAATGTTTTTAATTTCTC[A>AT]TTTTTTTTAGATCATTTCAAAGGTGGTCAGTCTGGATTAAATCTGTCTAAGAATTTCTTA-3'

ClinVar aggregate classification (germline): Benign/Likely benign. Review status: criteria provided, multiple submitters, no conflicts (2 of 4 stars). 3 submissions from 3 submitters: Benign (1); Likely benign (1). 1 of the submissions does not count toward it. Last evaluated 2026-01-05.

Conditions:
HELLS-related disorder. Also called: HELLS-related condition.

Submissions (3):

Labcorp Genetics (formerly Invitae), Labcorp
Classification: Benign. Last evaluated: 2026-01-05. Review status: criteria provided, single submitter. Criteria: Invitae Variant Classification Sherloc (09022015). Collection method: clinical testing. Allele origin: germline.

Blueprint Genetics
Classification: Likely benign. Last evaluated: 2024-07-08. Review status: criteria provided, single submitter. Criteria: ACMG Guidelines, 2015. Collection method: clinical testing. Allele origin: germline.

PreventionGenetics, part of Exact Sciences
Classification: Likely benign for HELLS-related condition. Last evaluated: 2020-10-20. Review status: no assertion criteria provided. Collection method: clinical testing. Allele origin: germline. Not counted in ClinVar's aggregate classification.
Comment: This variant is classified as likely benign based on ACMG/AMP sequence variant interpretation guidelines (Richards et al. 2015 PMID: 25741868, with internal and published modifications).